The following is an entry in ClinVar:

NM_005333.5(HCCS):c.283G>C (p.Asp95His)

Gene: HCCS (holocytochrome c synthase; plus strand). Cytogenetic location: Xp22.2.
Variant type: single nucleotide variant.
Coding change: c.283G>C on transcript NM_005333.5 (MANE Select); coding-DNA position 283, G replaced by C.
Protein change: p.Asp95His; replaces aspartic acid 95 with histidine.
Molecular consequence: missense variant.
Genome position (GRCh38, 1-based): chrX:11,117,297, G>C. VCF-style: chrX-11117297-G-C. GRCh37 (hg19) VCF-style: chrX-11135417-G-C.
Other names: c.283G>C, p.Asp95His (NM_001122608.3, NM_001171991.3); short protein forms D95H.
Identifiers: ClinVar variation 1037994 (VCV001037994.8), dbSNP rs2045455579, ClinGen allele CA412054546.

ClinVar aggregate classification (germline): Uncertain significance (1 of 4 stars; one submission).

gnomAD v4.1: 1 of 1,209,810 alleles (0.000083%); no homozygotes.

Submission:

Labcorp Genetics (formerly Invitae), Labcorp
Classification: Uncertain significance. Last evaluated: 2022-07-26. Review status: criteria provided, single submitter. Criteria: Invitae Variant Classification Sherloc (09022015). Collection method: clinical testing. Allele origin: germline.
Comment: This variant is not present in population databases (gnomAD no frequency). In summary, the available evidence is currently insufficient to determine the role of this variant in disease. Therefore, it has been classified as a Variant of Uncertain Significance. Algorithms developed to predict the effect of missense changes on protein structure and function are either unavailable or do not agree on the potential impact of this missense change (SIFT: "Deleterious"; PolyPhen-2: "Probably Damaging"; Align-GVGD: "Class C0"). ClinVar contains an entry for this variant (Variation ID: 1037994). This variant has not been reported in the literature in individuals affected with HCCS-related conditions. This sequence change replaces aspartic acid, which is acidic and polar, with histidine, which is basic and polar, at codon 95 of the HCCS protein (p.Asp95His).